The following is an entry in ClinVar:

NM_001035.3(RYR2):c.8846G>A (p.Gly2949Asp)

Gene: RYR2 (ryanodine receptor 2; plus strand). Cytogenetic location: 1q43.
Variant type: single nucleotide variant.
Coding change: c.8846G>A on transcript NM_001035.3 (MANE Select); coding-DNA position 8846, G replaced by A.
Protein change: p.Gly2949Asp; replaces glycine 2949 with aspartic acid.
Molecular consequence: missense variant.
Genome position (GRCh38, 1-based): chr1:237,678,063, G>A. VCF-style: chr1-237678063-G-A. GRCh37 (hg19) VCF-style: chr1-237841363-G-A.
Other names: short protein forms G2949D.
Identifiers: ClinVar variation 3232415 (VCV003232415.1), dbSNP rs1399706297, ClinGen allele CA345403577.

ClinVar aggregate classification (germline): Uncertain significance (1 of 4 stars; one submission).

Conditions:
Cardiovascular phenotype. Identifiers: MedGen CN230736.

Submission:

Ambry Genetics
Classification: Uncertain significance for Cardiovascular phenotype. Last evaluated: 2024-02-29. Review status: criteria provided, single submitter. Criteria: Ambry Variant Classification Scheme 2023. Collection method: clinical testing. Allele origin: germline.
Comment: The p.G2949D variant (also known as c.8846G>A), located in coding exon 61 of the RYR2 gene, results from a G to A substitution at nucleotide position 8846. The glycine at codon 2949 is replaced by aspartic acid, an amino acid with similar properties. This amino acid position is poorly conserved in available vertebrate species. In addition, the in silico prediction for this alteration is inconclusive. Based on the available evidence, the clinical significance of this alteration remains unclear.